The following is an entry in ClinVar:

NM_001146.5(ANGPT1):c.936+6A>C

Gene: ANGPT1 (angiopoietin 1; minus strand). Cytogenetic location: 8q23.1.
Variant type: single nucleotide variant.
Coding change: c.936+6A>C on transcript NM_001146.5 (MANE Select); 6 bases into the intron after coding-DNA position 936, A replaced by C.
Molecular consequence: intron variant.
Genome position (GRCh38, 1-based): chr8:107,303,234, T>G on the plus strand (A>C on the coding strand, the complement: ANGPT1 is on the minus strand). VCF-style: chr8-107303234-T-G. GRCh37 (hg19) VCF-style: chr8-108315462-T-G.
Other names: c.933+6A>C (NM_001199859.3); c.336+6A>C (NM_001314051.2).
Identifiers: ClinVar variation 2976027 (VCV002976027.3), dbSNP rs16876014, ClinGen allele CA4841234.

ClinVar aggregate classification (germline): Uncertain significance (1 of 4 stars; one submission).

gnomAD v4.1: 22 of 1,608,572 alleles (0.0014%); highest among the groups gnomAD compares: African/African-American, 0.027%; no homozygotes.

Submission:

Labcorp Genetics (formerly Invitae), Labcorp
Classification: Uncertain significance. Last evaluated: 2025-04-17. Review status: criteria provided, single submitter. Criteria: Invitae Variant Classification Sherloc (09022015). Collection method: clinical testing. Allele origin: germline.
Comment: This sequence change falls in intron 5 of the ANGPT1 gene. It does not directly change the encoded amino acid sequence of the ANGPT1 protein. It affects a nucleotide within the consensus splice site. This variant is present in population databases (rs16876014, gnomAD 0.03%). This variant has not been reported in the literature in individuals affected with ANGPT1-related conditions. ClinVar contains an entry for this variant (Variation ID: 2976027). Variants that disrupt the consensus splice site are a relatively common cause of aberrant splicing (PMID: 17576681, 9536098). Algorithms developed to predict the effect of sequence changes on RNA splicing suggest that this variant is not likely to affect RNA splicing. In summary, the available evidence is currently insufficient to determine the role of this variant in disease. Therefore, it has been classified as a Variant of Uncertain Significance.

Literature cited by the submitters: PubMed 17576681; PubMed 9536098.